The following is an entry in ClinVar:

ClinVar aggregate classification (germline): Likely benign (1 of 4 stars; one submission).

Submission:

CeGaT Center for Human Genetics Tuebingen
Classification: Likely benign. Last evaluated: 2025-03-01. Review status: criteria provided, single submitter. Criteria: CeGaT Center For Human Genetics Tuebingen Variant Classification Criteria Version 2. Collection method: clinical testing. Allele origin: germline. Affected: yes. Observed: 1 variant allele.
Comment: FXR1: BP4, BP7

NM_005087.4(FXR1):c.1743C>T (p.Asn581=)

Gene: FXR1 (FMR1 autosomal homolog 1; plus strand). Cytogenetic location: 3q26.33.
Variant type: single nucleotide variant.
Coding change: c.1743C>T on transcript NM_005087.4 (MANE Select); coding-DNA position 1743, C replaced by T.
Protein change: p.Asn581=; no amino-acid change (asparagine 581 retained).
Molecular consequence: synonymous variant. On other transcripts: 3 prime UTR variant (2).
Genome position (GRCh38, 1-based): chr3:180,976,169, C>T. VCF-style: chr3-180976169-C-T. GRCh37 (hg19) VCF-style: chr3-180693957-C-T.
Other names: c.*31C>T (NM_001013438.3, NM_001363882.1); c.1488C>T, p.Asn496= (NM_001013439.3).
Identifiers: ClinVar variation 3777926 (VCV003777926.7).